The following is an entry in ClinVar:

ClinVar aggregate classification (germline): Uncertain significance (1 of 4 stars; one submission).

gnomAD v4.1: 10 of 1,613,672 alleles (0.00062%); highest among the groups gnomAD compares: Non-Finnish European, 0.00068%; no homozygotes.

Submission:

Labcorp Genetics (formerly Invitae), Labcorp
Classification: Uncertain significance. Last evaluated: 2026-01-14. Review status: criteria provided, single submitter. Criteria: Invitae Variant Classification Sherloc (09022015). Collection method: clinical testing. Allele origin: germline.
Comment: This sequence change replaces alanine, which is neutral and non-polar, with valine, which is neutral and non-polar, at codon 1201 of the FOCAD protein (p.Ala1201Val). The frequency data for this variant in the population databases is considered unreliable, as metrics indicate poor data quality at this position in the gnomAD database. This variant has not been reported in the literature in individuals affected with FOCAD-related conditions. Experimental studies and prediction algorithms are not available or were not evaluated, and the functional significance of this variant is currently unknown. In summary, the available evidence is currently insufficient to determine the role of this variant in disease. Therefore, it has been classified as a Variant of Uncertain Significance.

NM_001375567.1(FOCAD):c.3602C>T (p.Ala1201Val)

Gene: FOCAD (focadhesin; plus strand). Cytogenetic location: 9p21.3.
Variant type: single nucleotide variant.
Coding change: c.3602C>T on transcript NM_001375567.1 (MANE Select); coding-DNA position 3602, C replaced by T.
Protein change: p.Ala1201Val; replaces alanine 1201 with valine.
Molecular consequence: missense variant.
Genome position (GRCh38, 1-based): chr9:20,946,747, C>T. VCF-style: chr9-20946747-C-T. GRCh37 (hg19) VCF-style: chr9-20946746-C-T.
Other names: c.3497C>T, p.Ala1166Val (NM_001375568.1, NM_001375570.1); c.3602C>T, p.Ala1201Val (NM_017794.5); short protein forms A1201V, A1166V.
Identifiers: ClinVar variation 4696774 (VCV004696774.1).